The following is an entry in ClinVar:

NM_015559.3(SETBP1):c.1897G>T (p.Ala633Ser)

Gene: SETBP1 (SET binding protein 1; plus strand). Cytogenetic location: 18q12.3.
Variant type: single nucleotide variant.
Coding change: c.1897G>T on transcript NM_015559.3 (MANE Select); coding-DNA position 1897, G replaced by T.
Protein change: p.Ala633Ser; replaces alanine 633 with serine.
Molecular consequence: missense variant.
Genome position (GRCh38, 1-based): chr18:44,951,237, G>T. VCF-style: chr18-44951237-G-T. GRCh37 (hg19) VCF-style: chr18-42531202-G-T.
Other names: c.1897G>T, p.Ala633Ser (NM_001379141.1, NM_001379142.1, NM_001410862.1); short protein forms A633S.
Identifiers: ClinVar variation 3720035 (VCV003720035.2).

ClinVar aggregate classification (germline): Uncertain significance (1 of 4 stars; one submission).

Submission:

Labcorp Genetics (formerly Invitae), Labcorp
Classification: Uncertain significance. Last evaluated: 2024-11-19. Review status: criteria provided, single submitter. Criteria: Invitae Variant Classification Sherloc (09022015). Collection method: clinical testing. Allele origin: germline.
Comment: This sequence change replaces alanine, which is neutral and non-polar, with serine, which is neutral and polar, at codon 633 of the SETBP1 protein (p.Ala633Ser). This variant is not present in population databases (gnomAD no frequency). This variant has not been reported in the literature in individuals affected with SETBP1-related conditions. Invitae Evidence Modeling of protein sequence and biophysical properties (such as structural, functional, and spatial information, amino acid conservation, physicochemical variation, residue mobility, and thermodynamic stability) indicates that this missense variant is not expected to disrupt SETBP1 protein function with a negative predictive value of 80%. In summary, the available evidence is currently insufficient to determine the role of this variant in disease. Therefore, it has been classified as a Variant of Uncertain Significance.